The following is an entry in ClinVar:

ClinVar aggregate classification (germline): Pathogenic. Review status: practice guideline (4 of 4 stars). 35 submissions from 33 submitters: Pathogenic (1). 34 of the submissions do not count toward it. Last evaluated 2004-03-03.

Conditions:
Respiratory ciliopathies including non-CF bronchiectasis.
CFTR-related disorder (CFTR-RD). Also called: CFTR-related disorders; CFTR-related condition. Identifiers: MedGen C5924204, MONDO:7770004.
Congenital bilateral aplasia of vas deferens from CFTR mutation (CBAVD). Identifiers: Orphanet 48, MedGen C0403814, MONDO:0010178, OMIM 277180. Disease mechanism: loss of function.
Cystic fibrosis (CF). Also called: MUCOVISCIDOSIS. Identifiers: Orphanet 586, MedGen C0010674, MONDO:0009061, OMIM 219700. Disease mechanism: loss of function.
Bronchiectasis with or without elevated sweat chloride 1 (BESC1). Also called: Cystic Fibrosis-Like Syndrome. Identifiers: Orphanet 60033, MedGen C2749757, MONDO:0008887, OMIM 211400.
Hereditary pancreatitis (PCTT). Also called: Hereditary chronic pancreatitis; PRSS1-Related Hereditary Pancreatitis. Identifiers: Orphanet 676, MedGen C0238339, MONDO:0008185, OMIM 167800.

Allele frequency attached by ClinVar (database versions not stated): ExAC 0.00006; gnomAD exomes 0.00008 and 0.00021; TOPMed 0.00009; gnomAD 0.00010 and 0.00011; ESP Exome Variant Server 0.00023.
gnomAD v4.1: 313 of 1,606,712 alleles (0.019%); highest among the groups gnomAD compares: Non-Finnish European, 0.025%; no homozygotes.

Submissions 1 to 11 of 36:

American College of Medical Genetics and Genomics  (ACMG)
Classification: Pathogenic for Cystic fibrosis. Last evaluated: 2004-03-03. Review status: practice guideline. Criteria: Guideline for cystic fibrosis carrier screening. Collection method: curation. Allele origin: germline. Inheritance: Autosomal recessive inheritance. Study: The ACMG recommended carrier screening panel.
ClinVar note: Converted during submission from pathogenic to Pathogenic.

CFTR2
Classification: Pathogenic for Cystic fibrosis. Last evaluated: 2017-03-17. Review status: reviewed by expert panel. Criteria: Sosnay PR et al. (Nat Genet 2013). Collection method: research. Allele origin: germline. Affected: yes. Study: CFTR2. Not counted in ClinVar's aggregate classification.

PreventionGenetics, part of Exact Sciences
Classification: Pathogenic for CFTR-related condition. Last evaluated: 2026-09-02. Review status: criteria provided, single submitter. Criteria: ACMG Guidelines, 2015. Collection method: clinical testing. Allele origin: germline. Not counted in ClinVar's aggregate classification.
Comment: The CFTR c.489+1G>T variant is predicted to disrupt the GT donor site and interfere with normal splicing. This variant, also referred to as 621+1G>T in the literature, is one of the most common pathogenic variants in individuals with cystic fibrosis (Watson et al. 2004. PubMed ID: 15371902; supplementary data, Sosnay et al. 2013. PubMed ID: 23974870). This variant is reported in 0.014% of alleles in individuals of European (Non-Finnish) descent in gnomAD. Variants that disrupt the consensus splice donor site in CFTR are expected to be pathogenic. This variant is interpreted as pathogenic.

Institute of Human Genetics, University of Leipzig Medical Center
Classification: Pathogenic for Cystic fibrosis. Last evaluated: 2026-08-18. Review status: criteria provided, single submitter. Criteria: ACMG Guidelines, 2015. Collection method: clinical testing. Allele origin: unknown. Inheritance: Autosomal recessive inheritance. Affected: yes. Not counted in ClinVar's aggregate classification.
Comment: Criteria applied: PM3_VSTR,PVS1_STR

Victorian Clinical Genetics Services, Murdoch Childrens Research Institute
Classification: Pathogenic for Cystic fibrosis. Last evaluated: 2026-06-02. Review status: criteria provided, single submitter. Criteria: ACMG Guidelines, 2015. Collection method: clinical testing. Allele origin: germline. Not counted in ClinVar's aggregate classification.
Comment: This variant is classified as Pathogenic. Evidence in support of pathogenic classification: Variant is present in gnomAD <0.01 for a recessive condition (v4: 313 heterozygote(s), 0 homozygote(s)); This variant has strong previous evidence of pathogenicity in unrelated individuals. This variant has been classified as pathogenic for cystic fibrosis by the CFTR2 expert panel in ClinVar; it has been reported in individuals with cystic fibrosis and pancreatic insufficiency. Additional information: Splice site variant proven to affect splicing of the transcript with a known effect on protein sequence. Functional analysis has proven that this variant has two splice outcomes; full or partial exclusion of exon 4. Both outcomes result in the inframe deletion of part of the resulting protein (PMID: 21097845); This variant is heterozygous; This gene is associated with autosomal recessive disease; Loss of function is a known mechanism of disease in this gene and is associated with cystic fibrosis (MIM#219700).

NHS Central & South Genomic Laboratory Hub
Classification: Pathogenic for Respiratory ciliopathies including non-CF bronchiectasis. Last evaluated: 2026-02-26. Review status: criteria provided, single submitter. Criteria: ACMG Guidelines, 2015. Collection method: clinical testing. Allele origin: germline. Affected: yes. Not counted in ClinVar's aggregate classification.

Labcorp Genetics (formerly Invitae), Labcorp
Classification: Pathogenic for Cystic fibrosis. Last evaluated: 2026-01-27. Review status: criteria provided, single submitter. Criteria: Invitae Variant Classification Sherloc (09022015). Collection method: clinical testing. Allele origin: germline. Not counted in ClinVar's aggregate classification.
Comment: This sequence change affects a donor splice site in intron 4 of the CFTR gene. It is expected to disrupt RNA splicing. Variants that disrupt the donor or acceptor splice site typically lead to a loss of protein function (PMID: 16199547), and loss-of-function variants in CFTR are known to be pathogenic (PMID: 1695717, 7691345, 9725922). This variant is present in population databases (rs78756941, gnomAD 0.02%). Disruption of this splice site has been observed in individuals with cystic fibrosis (PMID: 15371902, 23974870). ClinVar contains an entry for this variant (Variation ID: 38799). Algorithms developed to predict the effect of sequence changes on RNA splicing suggest that this variant may disrupt the consensus splice site. For these reasons, this variant has been classified as Pathogenic.

Dasa
Classification: Pathogenic. Last evaluated: 2025-11-21. Review status: criteria provided, single submitter. Criteria: DASA Assertion Criteria. Collection method: clinical testing. Allele origin: germline. Not counted in ClinVar's aggregate classification.
Comment: NM_000492.4(CFTR):c.489+1G>T affects a canonical splice site and is predicted to disrupt normal RNA splicing, leading to loss of normal protein function. Loss-of-function is an established mechanism of disease for this gene. This variant has been recurrently observed in individuals with related phenotype (PMID: 1710599; PMID: 9321772; PMID: 9618063; PMID: 23974870; PMID: 32429104). The variant is present at low frequency in population datasets. Based on the available data, this variant is classified as pathogenic.

Natera, Inc.
Classification: Pathogenic for CFTR-related disorders. Last evaluated: 2025-08-25. Review status: criteria provided, single submitter. Criteria: Natera Variant Classification Schema (03/2026). Collection method: clinical testing. Allele origin: germline. Not counted in ClinVar's aggregate classification.
Comment: The c.489+1G>T variant in CFTR is a canonical splice donor site variant predicted to affect pre-mRNA splicing, which may result in an abnormal transcript and altered protein product. This variant is expected to result in nonsense mediated decay, truncation, or a dysfunctional protein product. This variant is rare in the general population with a frequency below the threshold expected for the associated phenotype(s). This variant has been observed in one or more individuals affected with the associated recessive disease, as either homozygous or compound heterozygous with a second variant (PMID: 25910067). Given the available evidence, this variant is classified as Pathogenic.

Institute of Immunology and Genetics Kaiserslautern
Classification: Pathogenic for Cystic fibrosis. Last evaluated: 2025-05-20. Review status: criteria provided, single submitter. Criteria: ACMG Guidelines, 2015. Collection method: clinical testing. Allele origin: paternal. Not counted in ClinVar's aggregate classification.
Comment: ACMG Criteria: PVS1, PM2, PM3, PP5_M; Variant was found in heterozygous state.

ARUP Laboratories, Molecular Genetics and Genomics, ARUP Laboratories
Classification: Pathogenic for Cystic fibrosis. Last evaluated: 2025-04-04. Review status: criteria provided, single submitter. Criteria: ARUP Molecular Germline Variant Investigation Process 2024. Collection method: clinical testing. Allele origin: germline. Not counted in ClinVar's aggregate classification.
Comment: The CFTR c.489+1G>T variant (rs78756941), also known as 621+1G>T, has been reported in patients diagnosed with the pancreatic insufficient form of cystic fibrosis (Zielenski 1991, Sheridan 2011, Ooi 2012, Sosnay 2013). This variant is classified as pathogenic by an expert panel in ClinVar (Variation ID: 38799) and is found in the non-Finnish European population with an allele frequency of 0.01 (18/125670 alleles) in the Genome Aggregation Database. Computational algorithms (Alamut v.2.11) predict the loss of the canonical splice donor, leading to the production of aberrant RNA transcripts (Sheridan 2011). Based on the above information, this variant is classified as pathogenic. References: Ooi C. et al. Cystic fibrosis transmembrane conductance regulator (CFTR) gene mutations in pancreatitis. J Cyst Fibros. 2012; 11(5):355-62. PMID: 20923678. Sheridan M et al. CFTR transcription defects in pancreatic sufficient cystic fibrosis patients with only one mutation in the coding region of CFTR. J Med Genet. 2011; 48(4):235-41. Sosnay PR et al. Defining the disease liability of variants in the cystic fibrosis transmembrane conductance regulator gene. Nat Genet. 2013; 45(10):1160-7. PMID: 23974870. Zielenski J et al. Identification of mutations in exons 1 through 8 of the cystic fibrosis transmembrane conductance regulator (CFTR) gene. Genomics. 1991 May;10(1):229-35. PMID: 1710599.

NM_000492.4(CFTR):c.489+1G>T

Gene: CFTR (CF transmembrane conductance regulator; plus strand). Cytogenetic location: 7q31.2.
Variant type: single nucleotide variant.
Coding change: c.489+1G>T on transcript NM_000492.4 (MANE Select); the canonical splice donor site of the intron after coding-DNA position 489, G replaced by T.
Molecular consequence: splice donor variant.
Genome position (GRCh38, 1-based): chr7:117,531,115, G>T. VCF-style: chr7-117531115-G-T. GRCh37 (hg19) VCF-style: chr7-117171169-G-T.
Other names: 621+1G>T; 621+1G->T.
Identifiers: ClinVar variation 38799 (VCV000038799.166), dbSNP rs78756941, ClinGen allele CA344708.
Genomic context (GRCh38, chr7:117,531,115, plus strand): 5'-GGCCTTCATCACATTGGAATGCAGATGAGAATAGCTATGTTTAGTTTGATTTATAAGAAG[G>T]TAATACTTCCTTGCACAGGCCCCATGGCACATATATTCTGTATCGTACATGTTTTAATGT-3'